The following is an entry in ClinVar:

ClinVar aggregate classification (germline): Uncertain significance. Review status: criteria provided, multiple submitters, no conflicts (2 of 4 stars). 2 submissions from 2 submitters: Uncertain significance (2). Last evaluated 2023-08-10.

Conditions:
Cranium bifidum occultum. Also called: CATLIN MARKS; Enlarged Parietal Foramina; CRANIUM BIFIDUM, HEREDITARY. Identifiers: MedGen C1868598, HP:0004423.

Submissions (2):

Labcorp Genetics (formerly Invitae), Labcorp
Classification: Uncertain significance for Cranium bifidum occultum. Last evaluated: 2023-08-10. Review status: criteria provided, single submitter. Criteria: Invitae Variant Classification Sherloc (09022015). Collection method: clinical testing. Allele origin: germline.
Comment: This sequence change replaces methionine, which is neutral and non-polar, with isoleucine, which is neutral and non-polar, at codon 215 of the MSX2 protein (p.Met215Ile). In summary, the available evidence is currently insufficient to determine the role of this variant in disease. Therefore, it has been classified as a Variant of Uncertain Significance. Advanced modeling of protein sequence and biophysical properties (such as structural, functional, and spatial information, amino acid conservation, physicochemical variation, residue mobility, and thermodynamic stability) performed at Invitae indicates that this missense variant is not expected to disrupt MSX2 protein function. ClinVar contains an entry for this variant (Variation ID: 2106815). This variant has not been reported in the literature in individuals affected with MSX2-related conditions. This variant is not present in population databases (gnomAD no frequency).

Revvity Omics, Revvity
Classification: Uncertain significance. Last evaluated: 2023-08-02. Review status: criteria provided, single submitter. Criteria: ACMG Guidelines, 2015. Collection method: clinical testing. Allele origin: germline.

NM_002449.5(MSX2):c.645G>A (p.Met215Ile)

Gene: MSX2 (msh homeobox 2; plus strand). Cytogenetic location: 5q35.2.
Variant type: single nucleotide variant.
Coding change: c.645G>A on transcript NM_002449.5 (MANE Select); coding-DNA position 645, G replaced by A.
Protein change: p.Met215Ile; replaces methionine 215 with isoleucine.
Molecular consequence: missense variant. On other transcripts: 3 prime UTR variant (1).
Genome position (GRCh38, 1-based): chr5:174,729,424, G>A. VCF-style: chr5-174729424-G-A. GRCh37 (hg19) VCF-style: chr5-174156427-G-A.
Other names: c.*269G>A (NM_001363626.2); short protein forms M215I.
Identifiers: ClinVar variation 2106815 (VCV002106815.7), dbSNP rs1297854733, ClinGen allele CA362230327.
Genomic context (GRCh38, chr5:174,729,424, plus strand): 5'-CAAGGCGAAAAGACTGCAGGAGGCAGAACTGGAAAAGCTGAAAATGGCTGCAAAACCTAT[G>A]CTGCCCTCCAGCTTCAGTCTCCCTTTCCCCATCAGCTCGCCCCTGCAGGCAGCGTCCATA-3'
Protein context (NP_002440.2, residues 205-225): LEKLKMAAKP[Met215Ile]LPSSFSLPFP